The following is an entry in ClinVar:

NM_198253.3(TERT):c.3103G>A (p.Val1035Ile)

Gene: TERT (telomerase reverse transcriptase; minus strand). Cytogenetic location: 5p15.33.
Variant type: single nucleotide variant.
Coding change: c.3103G>A on transcript NM_198253.3 (MANE Select); coding-DNA position 3103, G replaced by A.
Protein change: p.Val1035Ile; replaces valine 1035 with isoleucine.
Molecular consequence: missense variant. On other transcripts: non-coding transcript variant (2).
Genome position (GRCh38, 1-based): chr5:1,255,341, C>T on the plus strand (G>A on the coding strand, the complement: TERT is on the minus strand). VCF-style: chr5-1255341-C-T. GRCh37 (hg19) VCF-style: chr5-1255456-C-T.
Other names: p.Val1035Ile; c.2914G>A, p.Val972Ile (NM_001193376.3); short protein forms V1035I, V972I.
Identifiers: ClinVar variation 655494 (VCV000655494.12), dbSNP rs374968697, ClinGen allele CA3184284.

ClinVar aggregate classification (germline): Conflicting classifications of pathogenicity. Review status: criteria provided, conflicting classifications (1 of 4 stars). 4 submissions from 4 submitters: Uncertain significance (2); Likely benign (2). Last evaluated 2025-05-30.

Conditions:
Dyskeratosis congenita, autosomal dominant 2. Identifiers: MedGen C3151443, MONDO:0013521, OMIM 613989.
Idiopathic Pulmonary Fibrosis. Also called: Idiopathic fibrosing alveolitis, chronic form; idiopathic fibrosing alveolitis. Identifiers: Orphanet 2032, MedGen C1800706, MeSH D054990, MONDO:0800504.
Dyskeratosis congenita. Identifiers: Orphanet 1775, MedGen C0265965, MONDO:0015780.

Allele frequency attached by ClinVar (database versions not stated): gnomAD 0.00001; TOPMed 0.00002; ESP Exome Variant Server 0.00008.
gnomAD v4.1: 64 of 1,614,066 alleles (0.004%); highest among the groups gnomAD compares: Admixed American, 0.005%; no homozygotes.

Submissions (4):

Labcorp Genetics (formerly Invitae), Labcorp
Classification: Uncertain significance for Dyskeratosis congenita, autosomal dominant 2; Idiopathic Pulmonary Fibrosis. Last evaluated: 2025-05-30. Review status: criteria provided, single submitter. Criteria: Invitae Variant Classification Sherloc (09022015). Collection method: clinical testing. Allele origin: germline.
Comment: This sequence change replaces valine, which is neutral and non-polar, with isoleucine, which is neutral and non-polar, at codon 1035 of the TERT protein (p.Val1035Ile). This variant is present in population databases (rs374968697, gnomAD 0.002%). This variant has not been reported in the literature in individuals affected with TERT-related conditions. ClinVar contains an entry for this variant (Variation ID: 655494). Invitae Evidence Modeling of protein sequence and biophysical properties (such as structural, functional, and spatial information, amino acid conservation, physicochemical variation, residue mobility, and thermodynamic stability) indicates that this missense variant is not expected to disrupt TERT protein function with a negative predictive value of 95%. In summary, the available evidence is currently insufficient to determine the role of this variant in disease. Therefore, it has been classified as a Variant of Uncertain Significance.

Ambry Genetics
Classification: Likely benign for Dyskeratosis congenita. Last evaluated: 2025-02-10. Review status: criteria provided, single submitter. Criteria: Ambry Variant Classification Scheme 2023. Collection method: clinical testing. Allele origin: germline.

Blueprint Genetics
Classification: Likely benign. Last evaluated: 2024-09-24. Review status: criteria provided, single submitter. Criteria: ACMG Guidelines, 2015. Collection method: clinical testing. Allele origin: germline.

Mayo Clinic Laboratories, Mayo Clinic
Classification: Uncertain significance. Last evaluated: 2023-05-01. Review status: criteria provided, single submitter. Criteria: ACMG Guidelines, 2015. Collection method: clinical testing. Allele origin: germline. Observed: 8 variant alleles.
Comment: BP4_strong, PP2

Literature cited by the submitters: PubMed 37359275 (cited by Mayo Clinic Laboratories, Mayo Clinic).